The following is an entry in ClinVar:

ClinVar aggregate classification (germline): Uncertain significance. Review status: criteria provided, multiple submitters, no conflicts (2 of 4 stars). 3 submissions from 3 submitters: Uncertain significance (3). Last evaluated 2023-12-07.

Conditions:
Hereditary cancer-predisposing syndrome. Also called: Hereditary neoplastic syndrome; Tumor predisposition; Neoplastic Syndromes, Hereditary; Hereditary Cancer Syndrome. Identifiers: Orphanet 140162, MedGen C0027672, MeSH D009386, MONDO:0015356.
DICER1-related tumor predisposition. Also called: DICER1 syndrome; DICER1-related pleuropulmonary blastoma cancer predisposition syndrome. Identifiers: Orphanet 284343, MedGen C3839822, MONDO:0100216.

Allele frequency attached by ClinVar (database versions not stated): gnomAD exomes below 0.00001; TOPMed below 0.00001.
gnomAD v4.1: 2 of 1,613,940 alleles (0.00012%); highest among the groups gnomAD compares: Non-Finnish European, 0.00017%; no homozygotes.

Submissions (3):

Ambry Genetics
Classification: Uncertain significance for Hereditary cancer-predisposing syndrome. Last evaluated: 2023-12-07. Review status: criteria provided, single submitter. Criteria: Ambry Variant Classification Scheme 2023. Collection method: clinical testing. Allele origin: germline.
Comment: The p.A875S variant (also known as c.2623G>T), located in coding exon 15 of the DICER1 gene, results from a G to T substitution at nucleotide position 2623. The alanine at codon 875 is replaced by serine, an amino acid with similar properties. This amino acid position is conserved. In addition, the in silico prediction for this alteration is inconclusive. Since supporting evidence is limited at this time, the clinical significance of this alteration remains unclear.

Labcorp Genetics (formerly Invitae), Labcorp
Classification: Uncertain significance for DICER1-related tumor predisposition. Last evaluated: 2023-08-17. Review status: criteria provided, single submitter. Criteria: Invitae Variant Classification Sherloc (09022015). Collection method: clinical testing. Allele origin: germline.
Comment: This sequence change replaces alanine, which is neutral and non-polar, with serine, which is neutral and polar, at codon 875 of the DICER1 protein (p.Ala875Ser). This variant is not present in population databases (gnomAD no frequency). This variant has not been reported in the literature in individuals affected with DICER1-related conditions. ClinVar contains an entry for this variant (Variation ID: 477111). Advanced modeling of protein sequence and biophysical properties (such as structural, functional, and spatial information, amino acid conservation, physicochemical variation, residue mobility, and thermodynamic stability) performed at Invitae indicates that this missense variant is not expected to disrupt DICER1 protein function. In summary, the available evidence is currently insufficient to determine the role of this variant in disease. Therefore, it has been classified as a Variant of Uncertain Significance.

CeGaT Center for Human Genetics Tuebingen
Classification: Uncertain significance. Last evaluated: 2021-12-01. Review status: criteria provided, single submitter. Criteria: CeGaT Center For Human Genetics Tuebingen Variant Classification Criteria Version 2. Collection method: clinical testing. Allele origin: germline. Affected: yes. Observed: 1 variant allele.

NM_177438.3(DICER1):c.2623G>T (p.Ala875Ser)

Gene: DICER1 (dicer 1, ribonuclease III; minus strand). Cytogenetic location: 14q32.13.
Variant type: single nucleotide variant.
Coding change: c.2623G>T on transcript NM_177438.3 (MANE Select); coding-DNA position 2623, G replaced by T.
Protein change: p.Ala875Ser; replaces alanine 875 with serine.
Molecular consequence: missense variant.
Genome position (GRCh38, 1-based): chr14:95,107,907, C>A on the plus strand (G>T on the coding strand, the complement: DICER1 is on the minus strand). VCF-style: chr14-95107907-C-A. GRCh37 (hg19) VCF-style: chr14-95574244-C-A.
Other names: c.2623G>T, p.Ala875Ser (NM_001195573.1, NM_001271282.3, NM_001291628.2 and 1 more transcripts); short protein forms A875S.
Identifiers: ClinVar variation 477111 (VCV000477111.44), dbSNP rs1555370761, ClinGen allele CA390881252.